The following is an entry in ClinVar:

ClinVar aggregate classification (germline): Benign/Likely benign. Review status: criteria provided, multiple submitters, no conflicts (2 of 4 stars). 3 submissions from 3 submitters: Benign (1); Likely benign (1). 1 of the submissions does not count toward it. Last evaluated 2025-11-13.

Conditions:
COL4A6-related disorder. Also called: COL4A6-related condition.

Allele frequency attached by ClinVar (database versions not stated): TOPMed 0.00003; gnomAD 0.00004; gnomAD exomes 0.00012; ExAC 0.00029; 1000 Genomes Project 30x 0.00042; 1000 Genomes Project 0.00053.
gnomAD v4.1: 139 of 1,201,299 alleles (0.012%); highest among the groups gnomAD compares: South Asian, 0.23%; 1 homozygote.

Submissions (3):

Labcorp Genetics (formerly Invitae), Labcorp
Classification: Benign. Last evaluated: 2025-11-13. Review status: criteria provided, single submitter. Criteria: Invitae Variant Classification Sherloc (09022015). Collection method: clinical testing. Allele origin: germline.

Blueprint Genetics
Classification: Likely benign. Last evaluated: 2024-10-18. Review status: criteria provided, single submitter. Criteria: ACMG Guidelines, 2015. Collection method: clinical testing. Allele origin: germline.

PreventionGenetics, part of Exact Sciences
Classification: Likely benign for COL4A6-related condition. Last evaluated: 2019-04-03. Review status: no assertion criteria provided. Collection method: clinical testing. Allele origin: germline. Not counted in ClinVar's aggregate classification.
Comment: This variant is classified as likely benign based on ACMG/AMP sequence variant interpretation guidelines (Richards et al. 2015 PMID: 25741868, with internal and published modifications).

NM_033641.4(COL4A6):c.4239C>T (p.Ile1413=)

Gene: COL4A6 (collagen type IV alpha 6 chain; minus strand). Cytogenetic location: Xq22.3.
Variant type: single nucleotide variant.
Coding change: c.4239C>T on transcript NM_033641.4 (MANE Select); coding-DNA position 4239, C replaced by T.
Protein change: p.Ile1413=; no amino-acid change (isoleucine 1413 retained).
Molecular consequence: synonymous variant.
Genome position (GRCh38, 1-based): chrX:108,161,713, G>A on the plus strand (C>T on the coding strand, the complement: COL4A6 is on the minus strand). VCF-style: chrX-108161713-G-A. GRCh37 (hg19) VCF-style: chrX-107404943-G-A.
Other names: c.4242C>T (NM_001847.3); c.4290C>T, p.Ile1430= (NM_001287758.2); c.4167C>T, p.Ile1389= (NM_001287759.2); c.4068C>T, p.Ile1356= (NM_001287760.2); c.4242C>T, p.Ile1414= (NM_001847.4).
Identifiers: ClinVar variation 2138842 (VCV002138842.7), dbSNP rs763445455, ClinGen allele CA10487234.